The following is an entry in ClinVar:

ClinVar aggregate classification (germline): Uncertain significance (1 of 4 stars; one submission).

Conditions:
Hereditary cancer-predisposing syndrome. Also called: Neoplastic Syndromes, Hereditary; Tumor predisposition; Hereditary Cancer Syndrome; Hereditary neoplastic syndrome. Identifiers: Orphanet 140162, MedGen C0027672, MeSH D009386, MONDO:0015356.

Submission:

Ambry Genetics
Classification: Uncertain significance for Hereditary cancer-predisposing syndrome. Last evaluated: 2015-01-05. Review status: criteria provided, single submitter. Criteria: Ambry Variant Classification Scheme 2023. Collection method: clinical testing. Allele origin: germline.
Comment: The p.N213K variant (also known as c.639T>A and 867T>A), located in coding exon 7 of the BRCA2 gene, results from a T to A substitution at nucleotide position 639. The asparagine at codon 213 is replaced by lysine, an amino acid with similar properties. This variant was not reported in population based cohorts in the following databases: Database of Single Nucleotide Polymorphisms (dbSNP), NHLBI Exome Sequencing Project (ESP), and 1000 Genomes Project. In the ESP, this variant was not observed in 6479 samples (12958 alleles) with coverage at this position. To date, this alteration has been detected with an allele frequency of approximately 0.001% (greater than 105,000 alleles tested) in our clinical cohort. This amino acid position is poorly conserved in available vertebrate species. In addition, this alteration is predicted to be benign by PolyPhen but deleterious by SIFT in silico analyses, respectively. Since supporting evidence is limited at this time, the clinical significance of p.N213K remains unclear.

NM_000059.4(BRCA2):c.639T>A (p.Asn213Lys)

Gene: BRCA2 (BRCA2 DNA repair associated; plus strand). Cytogenetic location: 13q13.1.
Variant type: single nucleotide variant.
Coding change: c.639T>A on transcript NM_000059.4 (MANE Select); coding-DNA position 639, T replaced by A.
Protein change: p.Asn213Lys; replaces asparagine 213 with lysine.
Molecular consequence: missense variant.
Genome position (GRCh38, 1-based): chr13:32,329,450, T>A. VCF-style: chr13-32329450-T-A. GRCh37 (hg19) VCF-style: chr13-32903587-T-A.
Other names: short protein forms N213K.
Identifiers: ClinVar variation 187739 (VCV000187739.5), dbSNP rs786203964, ClinGen allele CA023985.